The following is an entry in ClinVar:

ClinVar aggregate classification (germline): Uncertain significance (1 of 4 stars; one submission).

Conditions:
Inborn genetic diseases. Identifiers: MedGen C0950123, MeSH D030342.

Submission:

Ambry Genetics
Classification: Uncertain significance for Inborn genetic diseases. Last evaluated: 2026-02-26. Review status: criteria provided, single submitter. Criteria: Ambry Variant Classification Scheme 2023. Collection method: clinical testing. Allele origin: germline.
Comment: The c.1268G>A (p.R423Q) alteration is located in exon 13 (coding exon 12) of the UBTF gene. This alteration results from a G to A substitution at nucleotide position 1268, causing the arginine (R) at amino acid position 423 to be replaced by a glutamine (Q). Based on data from gnomAD, the A allele has an overall frequency of <0.001% (1/210728) total alleles studied. The highest observed frequency was 0.001% (1/91158) of European (non-Finnish) alleles. Based on insufficient or conflicting evidence, the clinical significance of this alteration remains unclear.

NM_014233.4(UBTF):c.1268G>A (p.Arg423Gln)

Genes: ATXN7L3-AS1 (ATXN7L3 antisense RNA 1; plus strand), UBTF (upstream binding transcription factor; minus strand), LOC121587595 (Sharpr-MPRA regulatory region 7848; plus strand). Cytogenetic location: 17q21.31.
Variant type: single nucleotide variant.
Coding change: c.1268G>A on transcript NM_014233.4 (MANE Select); coding-DNA position 1268, G replaced by A.
Protein change: p.Arg423Gln; replaces arginine 423 with glutamine.
Molecular consequence: missense variant. On other transcripts: non-coding transcript variant (1).
Genome position (GRCh38, 1-based): chr17:44,210,883, C>T on the plus strand (G>A on the coding strand, the complement: UBTF is on the minus strand). VCF-style: chr17-44210883-C-T. GRCh37 (hg19) VCF-style: chr17-42288251-C-T.
Other names: c.1157G>A, p.Arg386Gln (NM_001076683.2, NM_001076684.3); short protein forms R386Q, R423Q.
Identifiers: ClinVar variation 4840584 (VCV004840584.1).
Genomic context (GRCh38, chr17:44,210,883, plus strand): 5'-CGGGCCAGCAGGCGGGTCAGCTCGCTCTCGGAGAGCTCAGGCCGCTCCTCCTGCAGCTGC[C>T]GCCGTTTCTCCTCCGAGAAGATGAACATGGCCGACACGGGCCGCTTGGGCTTCTCGGAGC-3'
Protein context (NP_055048.1, residues 413-433): AMFIFSEEKR[Arg423Gln]QLQEERPELS